The following is an entry in ClinVar:

ClinVar aggregate classification (germline): Likely pathogenic (1 of 4 stars; one submission).

Submission:

Labcorp Genetics (formerly Invitae), Labcorp
Classification: Likely pathogenic. Last evaluated: 2021-04-05. Review status: criteria provided, single submitter. Criteria: Invitae Variant Classification Sherloc (09022015). Collection method: clinical testing. Allele origin: germline.
Comment: In summary, the currently available evidence indicates that the variant is pathogenic, but additional data are needed to prove that conclusively. Therefore, this variant has been classified as Likely Pathogenic. This variant has not been reported in the literature in individuals with MED17-related conditions. This variant results in a copy number gain of the genomic region encompassing exon(s) 10-11 of the MED17 gene. While the exact position of this variant cannot be determined from the data, sub-genic copy number gains are generally in tandem (PMID: 25640679). This variant is predicted to be out-of-frame, and may result in an absent or disrupted protein product. Loss-of-function variants in MED17 are known to be pathogenic (PMID: 20950787, 26004231, 30345598).

Literature cited by the submitters: PubMed 25640679; PubMed 20950787; PubMed 26004231; PubMed 30345598.

NC_000011.9:g.(?_93540674)_(93543052_?)dup

Gene: MED17 (mediator complex subunit 17; plus strand). Cytogenetic location: 11q21.
Variant type: Duplication.
Identifiers: ClinVar variation 1512009 (VCV001512009.4).